The following is an entry in ClinVar:

NM_001136472.2(LITAF):c.302A>G (p.Lys101Arg)

Gene: LITAF (lipopolysaccharide induced TNF factor; minus strand). Cytogenetic location: 16p13.13.
Variant type: single nucleotide variant.
Coding change: c.302A>G on transcript NM_001136472.2 (MANE Select); coding-DNA position 302, A replaced by G.
Protein change: p.Lys101Arg; replaces lysine 101 with arginine.
Molecular consequence: missense variant. On other transcripts: non-coding transcript variant (1).
Genome position (GRCh38, 1-based): chr16:11,553,608, T>C on the plus strand (A>G on the coding strand, the complement: LITAF is on the minus strand). VCF-style: chr16-11553608-T-C. GRCh37 (hg19) VCF-style: chr16-11647464-T-C.
Other names: c.302A>G, p.Lys101Arg (NM_001136473.1, NM_004862.4); short protein forms K101R.
Identifiers: ClinVar variation 404114 (VCV000404114.24), dbSNP rs201283647, ClinGen allele CA7904089.

ClinVar aggregate classification (germline): Conflicting classifications of pathogenicity. Review status: criteria provided, conflicting classifications (1 of 4 stars). 8 submissions from 8 submitters: Uncertain significance (2); Benign (1); Likely benign (5). Last evaluated 2025-09-30.

Conditions:
LITAF-related disorder. Also called: LITAF-related condition.
Inborn genetic diseases. Identifiers: MedGen C0950123, MeSH D030342.
Charcot-Marie-Tooth disease. Also called: Charcot-Marie-Tooth Neuropathy; Charcot-Marie-Tooth Hereditary Neuropathy. Identifiers: Orphanet 166, MedGen C0007959, MONDO:0015626.
Charcot-Marie-Tooth disease type 1C. Also called: CHARCOT-MARIE-TOOTH DISEASE, DEMYELINATING, TYPE 1C; CHARCOT-MARIE-TOOTH NEUROPATHY, TYPE 1C; NEUROPATHY, HEREDITARY MOTOR AND SENSORY, TYPE IC; CMT, SLOW NERVE CONDUCTION TYPE C; HMSN IC; Charcot-Marie-Tooth disease, type IC. Identifiers: Orphanet 101083, MedGen C0270913, MONDO:0010995, OMIM 601098.

Allele frequency attached by ClinVar (database versions not stated): gnomAD 0.00020; ExAC 0.00025; gnomAD exomes 0.00025 and 0.00040; TOPMed 0.00025; 1000 Genomes Project 30x 0.00031; ESP Exome Variant Server 0.00038; 1000 Genomes Project 0.00040.
gnomAD v4.1: 606 of 1,614,136 alleles (0.038%); highest among the groups gnomAD compares: Non-Finnish European, 0.049%; no homozygotes.

Submissions (8):

Mayo Clinic Laboratories, Mayo Clinic
Classification: Likely benign. Last evaluated: 2025-09-30. Review status: criteria provided, single submitter. Criteria: ACMG Guidelines, 2015. Collection method: clinical testing. Allele origin: germline. Observed: 4 variant alleles.
Comment: BS1, BS2

Labcorp Genetics (formerly Invitae), Labcorp
Classification: Likely benign for Charcot-Marie-Tooth disease type 1C. Last evaluated: 2025-09-19. Review status: criteria provided, single submitter. Criteria: Invitae Variant Classification Sherloc (09022015). Collection method: clinical testing. Allele origin: germline.

ARUP Laboratories, Molecular Genetics and Genomics, ARUP Laboratories
Classification: Uncertain significance for Charcot-Marie-Tooth disease type 1C. Last evaluated: 2025-06-26. Review status: criteria provided, single submitter. Criteria: ARUP Molecular Germline Variant Investigation Process 2024. Collection method: clinical testing. Allele origin: germline.
Comment: The LITAF c.302A>G; p.Lys101Arg variant (rs201283647, ClinVar Variation ID: 404114) is reported in the literature in individuals affected with Charcot-Marie-Tooth disease (Antoniadi 2015, Volodarsky 2021). This variant is found in the non-Finnish European population with an allele frequency of 0.0442% (57/128966 alleles) in the Genome Aggregation Database (v2.1.1). Some computational analyses are uncertain whether this missense variant is neutral or deleterious (REVEL: 0.371); however, other computational analyses (Alamut Visual Plus v.1.12) predict that this variant may impact splicing by creating a novel cryptic acceptor site. Due to limited information and the lack of functional data, the significance of this variant is uncertain at this time. References: Antoniadi T et al. Application of targeted multi-gene panel testing for the diagnosis of inherited peripheral neuropathy provides a high diagnostic yield with unexpected phenotype-genotype variability. BMC Med Genet. 2015 Sep 21;16:84. PMID: 26392352. Volodarsky M et al. Comprehensive genetic sequence and copy number analysis for Charcot-Marie-Tooth disease in a Canadian cohort of 2517 patients. J Med Genet. 2021 Apr;58(4):284-288. PMID: 32376792.

PreventionGenetics, part of Exact Sciences
Classification: Likely benign for LITAF-related condition. Last evaluated: 2025-03-12. Review status: criteria provided, single submitter. Criteria: ACMG Guidelines, 2015. Collection method: clinical testing. Allele origin: germline.
Comment: This variant is classified as likely benign based on ACMG/AMP sequence variant interpretation guidelines (Richards et al. 2015 PMID: 25741868, with internal and published modifications).

Blueprint Genetics
Classification: Likely benign. Last evaluated: 2024-11-20. Review status: criteria provided, single submitter. Criteria: ACMG Guidelines, 2015. Collection method: clinical testing. Allele origin: germline.

Ambry Genetics
Classification: Likely benign for Inborn genetic diseases. Last evaluated: 2020-06-15. Review status: criteria provided, single submitter. Criteria: Ambry Variant Classification Scheme 2023. Collection method: clinical testing. Allele origin: germline.

GeneDx
Classification: Benign. Last evaluated: 2020-02-12. Review status: criteria provided, single submitter. Criteria: GeneDx Variant Classification Process June 2021. Collection method: clinical testing. Allele origin: germline. Affected: yes.
Comment: This variant is associated with the following publications: (PMID: 25245565, 26392352, 32376792)

Molecular Genetics Laboratory, London Health Sciences Centre
Classification: Uncertain significance for Charcot-Marie-Tooth disease. Review status: criteria provided, single submitter. Criteria: ACMG Guidelines, 2015. Collection method: clinical testing. Allele origin: germline. Affected: yes.

Literature cited by the submitters: PubMed 26392352 (cited by Mayo Clinic Laboratories, Mayo Clinic); PubMed 32376792 (cited by Mayo Clinic Laboratories, Mayo Clinic).